The following is an entry in ClinVar:

NM_003659.4(AGPS):c.*4098C>T

Gene: AGPS (alkylglycerone phosphate synthase; plus strand). Cytogenetic location: 2q31.2.
Variant type: single nucleotide variant.
Coding change: c.*4098C>T on transcript NM_003659.4 (MANE Select); 4098 bases downstream of the stop codon, C replaced by T.
Molecular consequence: 3 prime UTR variant.
Genome position (GRCh38, 1-based): chr2:177,542,293, C>T. VCF-style: chr2-177542293-C-T. GRCh37 (hg19) VCF-style: chr2-178407021-C-T.
Identifiers: ClinVar variation 332589 (VCV000332589.5), dbSNP rs115549933, ClinGen allele CA10612924.

ClinVar aggregate classification (germline): Benign (1 of 4 stars; one submission).

Conditions:
Rhizomelic chondrodysplasia punctata type 3 (RCDP3). Also called: ALKYLDIHYDROXYACETONEPHOSPHATE SYNTHASE DEFICIENCY; Alkylglycerone Phosphate Synthase (AGPS) deficiency. Identifiers: Orphanet 177, Orphanet 309803, MedGen C1838612, MONDO:0010823, OMIM 600121. Disease mechanism: loss of function.

Allele frequency attached by ClinVar (database versions not stated): gnomAD 0.00469 and 0.00496; TOPMed 0.00515; 1000 Genomes Project 0.00559; 1000 Genomes Project 30x 0.00609.

Submission:

Illumina Laboratory Services, Illumina
Classification: Benign for Rhizomelic chondrodysplasia punctata type 3. Last evaluated: 2018-01-13. Review status: criteria provided, single submitter. Criteria: ICSL Variant Classification Criteria 13 December 2019. Collection method: clinical testing. Allele origin: germline.
Comment: This variant was observed in the ICSL laboratory as part of a predisposition screen in an ostensibly healthy population. It had not been previously curated by ICSL or reported in the Human Gene Mutation Database (HGMD: prior to June 1st, 2018), and was therefore a candidate for classification through an automated scoring system. Utilizing variant allele frequency, disease prevalence and penetrance estimates, and inheritance mode, an automated score was calculated to assess if this variant is too frequent to cause the disease. Based on the score and internal cut-off values, a variant classified as benign is not then subjected to further curation. The score for this variant resulted in a classification of benign for this disease.